The following is an entry in ClinVar:

NM_020937.4(FANCM):c.844C>A (p.His282Asn)

Gene: FANCM (FA complementation group M; plus strand). Cytogenetic location: 14q21.2.
Variant type: single nucleotide variant.
Coding change: c.844C>A on transcript NM_020937.4 (MANE Select); coding-DNA position 844, C replaced by A.
Protein change: p.His282Asn; replaces histidine 282 with asparagine.
Molecular consequence: missense variant.
Genome position (GRCh38, 1-based): chr14:45,148,921, C>A. VCF-style: chr14-45148921-C-A. GRCh37 (hg19) VCF-style: chr14-45618124-C-A.
Other names: c.766C>A, p.His256Asn (NM_001308133.2); c.844C>A, p.His282Asn (NM_001308134.2); short protein forms H256N, H282N.
Identifiers: ClinVar variation 4825992 (VCV004825992.1).

ClinVar aggregate classification (germline): Uncertain significance (1 of 4 stars; one submission).

Conditions:
Inborn genetic diseases. Identifiers: MedGen C0950123, MeSH D030342.

Submission:

Ambry Genetics
Classification: Uncertain significance for Inborn genetic diseases. Last evaluated: 2026-02-24. Review status: criteria provided, single submitter. Criteria: Ambry Variant Classification Scheme 2023. Collection method: clinical testing. Allele origin: germline.
Comment: The p.H282N variant (also known as c.844C>A), located in coding exon 4 of the FANCM gene, results from a C to A substitution at nucleotide position 844. The histidine at codon 282 is replaced by asparagine, an amino acid with similar properties. This amino acid position is conserved. In addition, this alteration is predicted to be tolerated by in silico analysis. Based on the available evidence, the clinical significance of this variant remains unclear.